The following is an entry in ClinVar:

ClinVar aggregate classification (germline): Uncertain significance (1 of 4 stars; one submission).

Conditions:
Inborn genetic diseases. Identifiers: MedGen C0950123, MeSH D030342.

gnomAD v4.1: 7 of 1,613,552 alleles (0.00043%); highest among the groups gnomAD compares: Non-Finnish European, 0.00059%; no homozygotes.

Submission:

Ambry Genetics
Classification: Uncertain significance for Inborn genetic diseases. Last evaluated: 2022-09-02. Review status: criteria provided, single submitter. Criteria: Ambry Variant Classification Scheme 2023. Collection method: clinical testing. Allele origin: germline.
Comment: The c.1918T>C (p.C640R) alteration is located in exon 11 (coding exon 11) of the ASXL3 gene. This alteration results from a T to C substitution at nucleotide position 1918, causing the cysteine (C) at amino acid position 640 to be replaced by an arginine (R). This variant was not reported in population-based cohorts in the Genome Aggregation Database (gnomAD). This amino acid position is highly conserved in available vertebrate species. This alteration is predicted to be tolerated by in silico analysis. Based on insufficient or conflicting evidence, the clinical significance of this alteration remains unclear.

NM_030632.3(ASXL3):c.1918T>C (p.Cys640Arg)

Gene: ASXL3 (ASXL transcriptional regulator 3; plus strand). Cytogenetic location: 18q12.1.
Variant type: single nucleotide variant.
Coding change: c.1918T>C on transcript NM_030632.3 (MANE Select); coding-DNA position 1918, T replaced by C.
Protein change: p.Cys640Arg; replaces cysteine 640 with arginine.
Molecular consequence: missense variant.
Genome position (GRCh38, 1-based): chr18:33,739,322, T>C. VCF-style: chr18-33739322-T-C. GRCh37 (hg19) VCF-style: chr18-31319286-T-C.
Other names: short protein forms C640R.
Identifiers: ClinVar variation 2303482 (VCV002303482.2), dbSNP rs761433001, ClinGen allele CA402176880.
Genomic context (GRCh38, chr18:33,739,322, plus strand): 5'-GGAGCCTGTACCAGCCTGCCTTCTCCAGGAGGGGAAACACAGTCCACATCAGAAGAATCA[T>C]GTACTCCAGCCTCCCTTGAGACAACATTTTGTTCTGAGGTATCTAGCACTGAAAATACAG-3'
Protein context (NP_085135.1, residues 630-650): GETQSTSEES[Cys640Arg]TPASLETTFC